The following is an entry in ClinVar:

ClinVar aggregate classification (germline): Uncertain significance (1 of 4 stars; one submission).

gnomAD v4.1: 24 of 1,613,746 alleles (0.0015%); highest among the groups gnomAD compares: South Asian, 0.015%; no homozygotes.

Submission:

Mayo Clinic Laboratories, Mayo Clinic
Classification: Uncertain significance. Last evaluated: 2024-08-21. Review status: criteria provided, single submitter. Criteria: ACMG Guidelines, 2015. Collection method: clinical testing. Allele origin: germline. Observed: 1 variant allele.
Comment: BP4

NM_139027.6(ADAMTS13):c.3052G>A (p.Val1018Ile)

Gene: ADAMTS13 (ADAM metallopeptidase with thrombospondin type 1 motif 13; plus strand). Cytogenetic location: 9q34.2.
Variant type: single nucleotide variant.
Coding change: c.3052G>A on transcript NM_139027.6 (MANE Select); coding-DNA position 3052, G replaced by A.
Protein change: p.Val1018Ile; replaces valine 1018 with isoleucine.
Molecular consequence: missense variant. On other transcripts: non-coding transcript variant (1).
Genome position (GRCh38, 1-based): chr9:133,454,422, G>A. VCF-style: chr9-133454422-G-A. GRCh37 (hg19) VCF-style: chr9-136319544-G-A.
Other names: p.Val1018Ile; c.3052G>A, p.Val1018Ile (NM_139025.5); c.2959G>A, p.Val987Ile (NM_139026.6); short protein forms V1018I, V987I.
Identifiers: ClinVar variation 3379930 (VCV003379930.1).